The following is an entry in ClinVar:

ClinVar aggregate classification (germline): Pathogenic. Review status: criteria provided, multiple submitters, no conflicts (2 of 4 stars). 3 submissions from 3 submitters: Pathogenic (3). Last evaluated 2025-03-19.

Conditions:
Intellectual developmental disorder, X-linked 1. Also called: Intellectual disability, X-linked 1; MENTAL RETARDATION, X-LINKED 18; MENTAL RETARDATION, X-LINKED 78; Atkin Flaitz Patil Smith syndrome. Identifiers: Orphanet 777, MedGen C2931498, MONDO:0010656, OMIM 309530.

Submissions (3):

Labcorp Genetics (formerly Invitae), Labcorp
Classification: Pathogenic for Intellectual developmental disorder, X-linked 1. Last evaluated: 2025-03-19. Review status: criteria provided, single submitter. Criteria: Invitae Variant Classification Sherloc (09022015). Collection method: clinical testing. Allele origin: germline.
Comment: This sequence change creates a premature translational stop signal (p.Arg926*) in the IQSEC2 gene. It is expected to result in an absent or disrupted protein product. Loss-of-function variants in IQSEC2 are known to be pathogenic (PMID: 21686261, 26793055, 27665735). This variant is not present in population databases (gnomAD no frequency). This premature translational stop signal has been observed in individual(s) with Rett-like phenotype (PMID: 27062609, 31512412). ClinVar contains an entry for this variant (Variation ID: 380487). For these reasons, this variant has been classified as Pathogenic.

GeneDx
Classification: Pathogenic. Last evaluated: 2023-11-01. Review status: criteria provided, single submitter. Criteria: GeneDx Variant Classification Process June 2021. Collection method: clinical testing. Allele origin: germline. Affected: yes.
Comment: Identified in females with with developmental delay and autistic features referred for genetic testing at GeneDx and in published literature (PMID: 27062609); Nonsense variant predicted to result in protein truncation or nonsense mediated decay in a gene for which loss of function is a known mechanism of disease; Not observed at significant frequency in large population cohorts (gnomAD); This variant is associated with the following publications: (PMID: 30328660, 30206421, 31512412, 27062609)

Genetic Services Laboratory, University of Chicago
Classification: Pathogenic for Mental retardation, X-linked 1. Last evaluated: 2016-10-04. Review status: criteria provided, single submitter. Criteria: ACMG Guidelines, 2015. Collection method: clinical testing. Allele origin: germline. Affected: yes.

Literature cited by the submitters: PubMed 21686261 (cited by Labcorp Genetics (formerly Invitae), Labcorp); PubMed 26793055 (cited by Labcorp Genetics (formerly Invitae), Labcorp); PubMed 27665735 (cited by Labcorp Genetics (formerly Invitae), Labcorp); PubMed 27062609 (cited by Labcorp Genetics (formerly Invitae), Labcorp); PubMed 31512412 (cited by Labcorp Genetics (formerly Invitae), Labcorp).

NM_001111125.3(IQSEC2):c.2776C>T (p.Arg926Ter)

Gene: IQSEC2 (IQ motif and Sec7 domain ArfGEF 2; minus strand). Cytogenetic location: Xp11.22.
Variant type: single nucleotide variant.
Coding change: c.2776C>T on transcript NM_001111125.3 (MANE Select); coding-DNA position 2776, C replaced by T.
Protein change: p.Arg926Ter; replaces arginine 926 with a stop codon.
Molecular consequence: nonsense.
Genome position (GRCh38, 1-based): chrX:53,243,445, G>A on the plus strand (C>T on the coding strand, the complement: IQSEC2 is on the minus strand). VCF-style: chrX-53243445-G-A. GRCh37 (hg19) VCF-style: chrX-53272627-G-A.
Other names: c.2161C>T, p.Arg721Ter (NM_015075.2); short protein forms R926*, R721*.
Identifiers: ClinVar variation 380487 (VCV000380487.14), dbSNP rs1057520858, ClinGen allele CA16608946.